The following is an entry in ClinVar:

NC_000022.11:g.(?_29671816)_(29671958_?)del

Gene: NF2 (NF2, moesin-ezrin-radixin like (MERLIN) tumor suppressor; plus strand). Cytogenetic location: 22q12.2.
Variant type: Deletion.
Identifiers: ClinVar variation 832037 (VCV000832037.11).

ClinVar aggregate classification (germline): Likely pathogenic (1 of 4 stars; one submission).

Conditions:
Neurofibromatosis, type 2 (SWNV). Also called: BILATERAL ACOUSTIC NEUROFIBROMATOSIS; SCHWANNOMATOSIS, VESTIBULAR; NF2-Related Schwannomatosis. Identifiers: Orphanet 637, MedGen C0027832, MONDO:0007039, OMIM 101000. Disease mechanism: loss of function.

Submission:

Labcorp Genetics (formerly Invitae), Labcorp
Classification: Likely pathogenic for Neurofibromatosis, type 2. Last evaluated: 2023-09-13. Review status: criteria provided, single submitter. Criteria: Invitae Variant Classification Sherloc (09022015). Collection method: clinical testing. Allele origin: germline.
Comment: This variant is a gross deletion of the genomic region encompassing exon(s) 11 of the NF2 gene. This variant would be expected to be in-frame, preserving the integrity of the reading frame. A similar copy number variant has been observed in individuals with neurofibromatosis type 2 (PMID: 26407091; Invitae). Experimental studies and prediction algorithms are not available or were not evaluated, and the functional significance of this variant is currently unknown. In summary, the currently available evidence indicates that the variant is pathogenic, but additional data are needed to prove that conclusively. Therefore, this variant has been classified as Likely Pathogenic.

Literature cited by the submitters: PubMed 26407091.